The following is an entry in ClinVar:

ClinVar aggregate classification (germline): Pathogenic (1 of 4 stars; one submission).

Conditions:
Familial thoracic aortic aneurysm and aortic dissection (TAAD). Also called: Thoracic aortic aneurysms and dissections. Identifiers: Orphanet 91387, MedGen C4707243, MONDO:0019625.
Marfan syndrome (MFS). Also called: Marfan syndrome type 1; Marfan's syndrome; Marfan syndrome, classic; MARFAN SYNDROME, TYPE I; FBN1-Related Marfan Syndrome. Identifiers: Orphanet 284963, Orphanet 558, MedGen C0024796, MONDO:0007947, OMIM 154700.

Submission:

Labcorp Genetics (formerly Invitae), Labcorp
Classification: Pathogenic for Marfan syndrome; Familial thoracic aortic aneurysm and aortic dissection. Last evaluated: 2021-02-09. Review status: criteria provided, single submitter. Criteria: Invitae Variant Classification Sherloc (09022015). Collection method: clinical testing. Allele origin: germline.
Comment: For these reasons, this variant has been classified as Pathogenic. This variant has not been reported in the literature in individuals with FBN1-related conditions. This variant is not present in population databases (ExAC no frequency). This sequence change creates a premature translational stop signal (p.Cys2528*) in the FBN1 gene. It is expected to result in an absent or disrupted protein product. Loss-of-function variants in FBN1 are known to be pathogenic (PMID: 17657824, 19293843).

Literature cited by the submitters: PubMed 17657824; PubMed 19293843.

NM_000138.5(FBN1):c.7584C>A (p.Cys2528Ter)

Gene: FBN1 (fibrillin 1; minus strand). Cytogenetic location: 15q21.1.
Variant type: single nucleotide variant.
Coding change: c.7584C>A on transcript NM_000138.5 (MANE Select); coding-DNA position 7584, C replaced by A.
Protein change: p.Cys2528Ter; replaces cysteine 2528 with a stop codon.
Molecular consequence: nonsense.
Genome position (GRCh38, 1-based): chr15:48,421,673, G>T on the plus strand (C>A on the coding strand, the complement: FBN1 is on the minus strand). VCF-style: chr15-48421673-G-T. GRCh37 (hg19) VCF-style: chr15-48713870-G-T.
Other names: short protein forms C2528*.
Identifiers: ClinVar variation 1074637 (VCV001074637.7), dbSNP rs1303268147, ClinGen allele CA392325781.